The following is an entry in ClinVar:

ClinVar aggregate classification (germline): Benign. Review status: criteria provided, multiple submitters, no conflicts (2 of 4 stars). 4 submissions from 4 submitters: Benign (4). Last evaluated 2026-02-01.

Conditions:
Fleck corneal dystrophy (CFD). Also called: CORNEAL DYSTROPHY, FRANCOIS-NEETENS SPECKLED OR FLECKED. Identifiers: Orphanet 98970, MedGen C1562113, MONDO:0007376, OMIM 121850.

Allele frequency attached by ClinVar (database versions not stated): 1000 Genomes Project 30x 0.90990; 1000 Genomes Project 0.91174; TOPMed 0.92196; ESP Exome Variant Server 0.92242; gnomAD exomes 0.97641.
gnomAD v4.1: 1,568,429 of 1,614,034 alleles (97%); highest among the groups gnomAD compares: Non-Finnish European, 98%; 763,520 homozygotes.

Submissions (4):

Labcorp Genetics (formerly Invitae), Labcorp
Classification: Benign. Last evaluated: 2026-02-01. Review status: criteria provided, single submitter. Criteria: Invitae Variant Classification Sherloc (09022015). Collection method: clinical testing. Allele origin: germline.

Genome-Nilou Lab
Classification: Benign for Fleck corneal dystrophy. Last evaluated: 2021-09-05. Review status: criteria provided, single submitter. Criteria: ACMG Guidelines, 2015. Collection method: clinical testing. Allele origin: germline. Affected: no.

Illumina Laboratory Services, Illumina
Classification: Benign for Fleck corneal dystrophy. Last evaluated: 2018-01-12. Review status: criteria provided, single submitter. Criteria: ICSL Variant Classification Criteria 13 December 2019. Collection method: clinical testing. Allele origin: germline.
Comment: This variant was observed in the ICSL laboratory as part of a predisposition screen in an ostensibly healthy population. It had not been previously curated by ICSL or reported in the Human Gene Mutation Database (HGMD: prior to June 1st, 2018), and was therefore a candidate for classification through an automated scoring system. Utilizing variant allele frequency, disease prevalence and penetrance estimates, and inheritance mode, an automated score was calculated to assess if this variant is too frequent to cause the disease. Based on the score and internal cut-off values, a variant classified as benign is not then subjected to further curation. The score for this variant resulted in a classification of benign for this disease.

Breakthrough Genomics
Classification: Benign. Review status: criteria provided, single submitter. Criteria: ACMG Guidelines, 2015. Collection method: not provided. Allele origin: germline. Inheritance: Autosomal dominant inheritance. Affected: yes.

NM_015040.4(PIKFYVE):c.2795T>C (p.Leu932Ser)

Gene: PIKFYVE (phosphoinositide kinase, FYVE-type zinc finger containing; plus strand). Cytogenetic location: 2q34.
Variant type: single nucleotide variant.
Coding change: c.2795T>C on transcript NM_015040.4 (MANE Select); coding-DNA position 2795, T replaced by C.
Protein change: p.Leu932Ser; replaces leucine 932 with serine.
Molecular consequence: missense variant.
Genome position (GRCh38, 1-based): chr2:208,325,606, T>C. VCF-style: chr2-208325606-T-C. GRCh37 (hg19) VCF-style: chr2-209190330-T-C.
Other names: short protein forms L932S.
Identifiers: ClinVar variation 333905 (VCV000333905.15), dbSNP rs2363468, ClinGen allele CA2079919.